The following is an entry in ClinVar:

NM_014391.3(ANKRD1):c.118G>A (p.Glu40Lys)

Gene: ANKRD1 (ankyrin repeat domain 1; minus strand). Cytogenetic location: 10q23.31.
Variant type: single nucleotide variant.
Coding change: c.118G>A on transcript NM_014391.3 (MANE Select); coding-DNA position 118, G replaced by A.
Protein change: p.Glu40Lys; replaces glutamic acid 40 with lysine.
Molecular consequence: missense variant.
Genome position (GRCh38, 1-based): chr10:90,920,258, C>T on the plus strand (G>A on the coding strand, the complement: ANKRD1 is on the minus strand). VCF-style: chr10-90920258-C-T. GRCh37 (hg19) VCF-style: chr10-92680015-C-T.
Other names: short protein forms E40K.
Identifiers: ClinVar variation 1310293 (VCV001310293.3), dbSNP rs1316020181, ClinGen allele CA377553852.

ClinVar aggregate classification (germline): Uncertain significance. Review status: criteria provided, multiple submitters, no conflicts (2 of 4 stars). 2 submissions from 2 submitters: Uncertain significance (2). Last evaluated 2025-06-18.

Conditions:
ANKRD1-related dilated cardiomyopathy. Identifiers: MedGen CN119551.

Allele frequency attached by ClinVar (database versions not stated): TOPMed below 0.00001.

Submissions (2):

Labcorp Genetics (formerly Invitae), Labcorp
Classification: Uncertain significance for ANKRD1-related dilated cardiomyopathy. Last evaluated: 2025-06-18. Review status: criteria provided, single submitter. Criteria: Invitae Variant Classification Sherloc (09022015). Collection method: clinical testing. Allele origin: germline.
Comment: This sequence change replaces glutamic acid, which is acidic and polar, with lysine, which is basic and polar, at codon 40 of the ANKRD1 protein (p.Glu40Lys). This variant is not present in population databases (gnomAD no frequency). This variant has not been reported in the literature in individuals affected with ANKRD1-related conditions. ClinVar contains an entry for this variant (Variation ID: 1310293). Invitae Evidence Modeling of protein sequence and biophysical properties (such as structural, functional, and spatial information, amino acid conservation, physicochemical variation, residue mobility, and thermodynamic stability) indicates that this missense variant is not expected to disrupt ANKRD1 protein function with a negative predictive value of 80%. In summary, the available evidence is currently insufficient to determine the role of this variant in disease. Therefore, it has been classified as a Variant of Uncertain Significance.

GeneDx
Classification: Uncertain significance. Last evaluated: 2019-11-07. Review status: criteria provided, single submitter. Criteria: GeneDx Variant Classification Process June 2021. Collection method: clinical testing. Allele origin: germline. Affected: yes.
Comment: Has not been previously published as pathogenic or benign to our knowledge; Not observed in large population cohorts (Lek et al., 2016); In silico analysis, which includes protein predictors and evolutionary conservation, supports that this variant does not alter protein structure/function